The following is an entry in ClinVar:

NM_000059.4(BRCA2):c.10033dup (p.Ala3345fs)

Gene: BRCA2 (BRCA2 DNA repair associated; plus strand). Cytogenetic location: 13q13.1.
Variant type: Duplication.
Coding change: c.10033dup on transcript NM_000059.4 (MANE Select); coding-DNA position 10033, one base duplicated (G; older notation c.10033dupG).
Protein change: p.Ala3345fs; shifts the reading frame from alanine 3345.
Molecular consequence: frameshift variant.
Genome position (GRCh38, 1-based): chr13:32,398,546, G duplicated. VCF-style (leftmost placement, unchanged base first): chr13-32398545-T-TG. GRCh37 (hg19) VCF-style: chr13-32972682-T-TG.
Other names: c.9937dup, p.Ala3313Glyfs (NM_001406719.1); c.9982dup, p.Ala3328Glyfs (NM_001406720.1); c.5101dup, p.Ala1701Glyfs (NM_001406721.1); c.3616dup, p.Ala1206Glyfs (NM_001406722.1); c.10033dupG (NM_000059.3); short protein forms A3345fs.
Identifiers: ClinVar variation 1773772 (VCV001773772.2), dbSNP rs1234155856, ClinGen allele CA609453959.

ClinVar aggregate classification (germline): Uncertain significance (1 of 4 stars; one submission).

Conditions:
Hereditary cancer-predisposing syndrome. Also called: Hereditary Cancer Syndrome; Hereditary neoplastic syndrome; Neoplastic Syndromes, Hereditary; Tumor predisposition. Identifiers: Orphanet 140162, MedGen C0027672, MeSH D009386, MONDO:0015356.

Submission:

Ambry Genetics
Classification: Uncertain significance for Hereditary cancer-predisposing syndrome. Last evaluated: 2021-02-23. Review status: criteria provided, single submitter. Criteria: Ambry Variant Classification Scheme 2023. Collection method: clinical testing. Allele origin: germline.
Comment: The c.10033dupG variant, located in coding exon 26 of the BRCA2 gene, results from a duplication of G at nucleotide position 10033, causing a translational frameshift with a predicted alternate stop codon (p.A3345Gfs*23). This alteration occurs at the 3' terminus of theBRCA2 gene, is not expected to trigger nonsense-mediated mRNAdecay, and only impacts the last 74 amino acids of the protein. The exact functional effect of this alteration is unknown. Since supporting evidence is limited at this time, the clinical significance of this alteration remains unclear.